The following is an entry in ClinVar:

NM_001363711.2(DUOX2):c.3328C>T (p.Arg1110Ter)

Gene: DUOX2 (dual oxidase 2; minus strand). Cytogenetic location: 15q21.1.
Variant type: single nucleotide variant.
Coding change: c.3328C>T on transcript NM_001363711.2 (MANE Select); coding-DNA position 3328, C replaced by T.
Protein change: p.Arg1110Ter; replaces arginine 1110 with a stop codon.
Molecular consequence: nonsense.
Genome position (GRCh38, 1-based): chr15:45,099,749, G>A on the plus strand (C>T on the coding strand, the complement: DUOX2 is on the minus strand). VCF-style: chr15-45099749-G-A. GRCh37 (hg19) VCF-style: chr15-45391947-G-A.
Other names: c.3328C>T (NM_014080.4); c.3328C>T, p.Arg1110Ter (NM_014080.5); short protein forms R1110*.
Identifiers: ClinVar variation 932342 (VCV000932342.50), dbSNP rs531536885, ClinGen allele CA7537916.
Genomic context (GRCh38, chr15:45,099,749, plus strand): 5'-TCCAGCGGTGGAAGTCCACTGCGGCATCAAAAGGCACATAGCGGTTGAGGAAAGTCTCTC[G>A]CAGGAAGGTTATGAGGTTGCGGCACATGGTGAGCAAGATATAAGAGAACATGAAGGAGAC-3'

ClinVar aggregate classification (germline): Pathogenic/Likely pathogenic. Review status: criteria provided, multiple submitters, no conflicts (2 of 4 stars). 7 submissions from 7 submitters: Pathogenic (4); Likely pathogenic (3). Last evaluated 2026-05-17.

Conditions:
Familial thyroid dyshormonogenesis. Identifiers: Orphanet 95716, MedGen C4273748, MONDO:0010132.
Thyroid dyshormonogenesis 6 (TDH6). Also called: Genetic transient congenital hypothyroidism; HYPOTHYROIDISM, CONGENITAL, DUE TO DYSHORMONOGENESIS, 6; THYROID HORMONOGENESIS, GENETIC DEFECT IN, 6. Identifiers: Orphanet 226316, Orphanet 95716, MedGen C1846632, MONDO:0011792, OMIM 607200.
Congenital hypothyroidism. Identifiers: Orphanet 442, MedGen C0010308, MONDO:0018612, HP:0000851.

Allele frequency attached by ClinVar (database versions not stated): gnomAD 0.00001 and 0.00004; TOPMed 0.00002; 1000 Genomes Project 30x 0.00016; 1000 Genomes Project 0.00020.
gnomAD v4.1: 68 of 1,614,190 alleles (0.0042%); highest among the groups gnomAD compares: South Asian, 0.037%; no homozygotes.

Submissions (7):

GeneDx
Classification: Pathogenic. Last evaluated: 2026-05-17. Review status: criteria provided, single submitter. Criteria: GeneDx Variant Classification Process June 2021. Collection method: clinical testing. Allele origin: germline.
Comment: Identified with two other DUOX2 variants, phase unknown, and a TPO variant in an individual with congenital hypothyroidism in the published literature (PMID: 32459320); Nonsense variant predicted to result in protein truncation or nonsense mediated decay in a gene for which loss of function is a known mechanism of disease; This variant is associated with the following publications: (PMID: 34200080, 38105685, 32459320, 37390946)

Labcorp Genetics (formerly Invitae), Labcorp
Classification: Pathogenic. Last evaluated: 2026-01-21. Review status: criteria provided, single submitter. Criteria: Invitae Variant Classification Sherloc (09022015). Collection method: clinical testing. Allele origin: germline.
Comment: This sequence change creates a premature translational stop signal (p.Arg1110*) in the DUOX2 gene. It is expected to result in an absent or disrupted protein product. Loss-of-function variants in DUOX2 are known to be pathogenic (PMID: 12110737, 18765513, 21565790, 24423310, 24735383). This variant is present in population databases (rs531536885, gnomAD 0.04%). This premature translational stop signal has been observed in individual(s) with congenital hypothyroidism (PMID: 32459320). ClinVar contains an entry for this variant (Variation ID: 932342). For these reasons, this variant has been classified as Pathogenic.

Fulgent Genetics
Classification: Likely pathogenic for Thyroid dyshormonogenesis 6. Last evaluated: 2024-06-06. Review status: criteria provided, single submitter. Criteria: ACMG Guidelines, 2015. Collection method: clinical testing. Allele origin: germline.

Cambridge Genomics Laboratory, East Genomic Laboratory Hub, NHS Genomic Medicine Service
Classification: Pathogenic for Congenital hypothyroidism. Last evaluated: 2024-05-29. Review status: criteria provided, single submitter. Criteria: ACGS Best Practice Guidelines for Variant Classification in Rare Disease 2020. Collection method: clinical testing. Allele origin: germline. Affected: yes.
Comment: PVS1,PM2,PM3

Department of Pathology and Laboratory Medicine, Sinai Health System
Classification: Likely pathogenic for Familial thyroid dyshormonogenesis; Thyroid dyshormonogenesis 6. Last evaluated: 2023-09-26. Review status: criteria provided, single submitter. Criteria: ACMG Guidelines, 2015. Collection method: research. Allele origin: germline.

Neuberg Centre For Genomic Medicine, NCGM
Classification: Pathogenic for Thyroid dyshormonogenesis 6. Last evaluated: 2023-03-01. Review status: criteria provided, single submitter. Criteria: ACMG Guidelines, 2015. Collection method: clinical testing. Allele origin: germline. Inheritance: Autosomal recessive inheritance. Affected: yes.
Comment: The stop gained c.3328C>T (p.Arg1110Ter) variant in DUOX2 gene has been reported in homozygous and compound heterozygous state in multiple individuals affected with Thyroid dyshormonogenesis (Wang F et al. 2014; Maruo Y et al. 2008). Loss-of-function variants in DUOX2 are known to be pathogenic (Yamaguchi T et al. 2020). The p.Arg1110Ter variant has allele frequency 0.008% in gnomAD Exomes and is novel (not in any individuals) in 1000 Genomes. This variant has been reported to the ClinVar database as Likely Pathogenic / Pathogenic. The nucleotide change c.3328C>T in DUOX2 is predicted as conserved by GERP++ and PhyloP across 100 vertebrates. This variant is predicted to cause loss of normal protein function through protein truncation. Loss of function variants have been previously reported to be disease causing. For these reasons, this variant has been classified as Pathogenic.

CeGaT Center for Human Genetics Tuebingen
Classification: Likely pathogenic. Last evaluated: 2020-04-01. Review status: criteria provided, single submitter. Criteria: CeGaT Center For Human Genetics Tuebingen Variant Classification Criteria Version 2. Collection method: clinical testing. Allele origin: germline. Affected: yes. Observed: 1 variant allele.

Literature cited by the submitters: PubMed 12110737 (cited by Labcorp Genetics (formerly Invitae), Labcorp); PubMed 18765513 (cited by Labcorp Genetics (formerly Invitae), Labcorp); PubMed 21565790 (cited by Labcorp Genetics (formerly Invitae), Labcorp); PubMed 24423310 (cited by Labcorp Genetics (formerly Invitae), Labcorp); PubMed 24735383 (cited by Labcorp Genetics (formerly Invitae), Labcorp); PubMed 32459320 (cited by Labcorp Genetics (formerly Invitae), Labcorp).